The following is an entry in ClinVar:

NM_001083961.2(WDR62):c.4152C>T (p.Ser1384=)

Gene: WDR62 (WD repeat domain 62; plus strand). Cytogenetic location: 19q13.12.
Variant type: single nucleotide variant.
Coding change: c.4152C>T on transcript NM_001083961.2 (MANE Select); coding-DNA position 4152, C replaced by T.
Protein change: p.Ser1384=; no amino-acid change (serine 1384 retained).
Molecular consequence: synonymous variant.
Genome position (GRCh38, 1-based): chr19:36,103,980, C>T. VCF-style: chr19-36103980-C-T. GRCh37 (hg19) VCF-style: chr19-36594882-C-T.
Other names: c.4137C>T, p.Ser1379= (NM_173636.5).
Identifiers: ClinVar variation 1357539 (VCV001357539.5), dbSNP rs568715354, ClinGen allele CA9396475.

ClinVar aggregate classification (germline): Uncertain significance (1 of 4 stars; one submission).

Allele frequency attached by ClinVar (database versions not stated): ExAC 0.00003; gnomAD 0.00004 and 0.00005; TOPMed 0.00004; gnomAD exomes 0.00005; 1000 Genomes Project 30x 0.00031; 1000 Genomes Project 0.00040.
gnomAD v4.1: 76 of 1,597,708 alleles (0.0048%); highest among the groups gnomAD compares: South Asian, 0.0088%; no homozygotes.

Submission:

Labcorp Genetics (formerly Invitae), Labcorp
Classification: Uncertain significance. Last evaluated: 2024-04-15. Review status: criteria provided, single submitter. Criteria: Invitae Variant Classification Sherloc (09022015). Collection method: clinical testing. Allele origin: germline.
Comment: This sequence change affects codon 1384 of the WDR62 mRNA. It is a 'silent' change, meaning that it does not change the encoded amino acid sequence of the WDR62 protein. It affects a nucleotide within the consensus splice site. This variant is present in population databases (rs568715354, gnomAD 0.007%). This variant has not been reported in the literature in individuals affected with WDR62-related conditions. ClinVar contains an entry for this variant (Variation ID: 1357539). Algorithms developed to predict the effect of sequence changes on RNA splicing suggest that this variant is not likely to affect RNA splicing. In summary, the available evidence is currently insufficient to determine the role of this variant in disease. Therefore, it has been classified as a Variant of Uncertain Significance.